The following is an entry in ClinVar:

ClinVar aggregate classification (germline): Uncertain significance (1 of 4 stars; one submission).

Conditions:
Long QT syndrome (LQTS). Identifiers: MedGen C0023976, MeSH D008133, MONDO:0002442. Disease mechanism: loss of function. Inheritance: Various modes of inheritance.

Submission:

Labcorp Genetics (formerly Invitae), Labcorp
Classification: Uncertain significance for Long QT syndrome. Last evaluated: 2021-11-15. Review status: criteria provided, single submitter. Criteria: Invitae Variant Classification Sherloc (09022015). Collection method: clinical testing. Allele origin: germline.
Comment: This variant is not present in population databases (gnomAD no frequency). This sequence change replaces leucine, which is neutral and non-polar, with proline, which is neutral and non-polar, at codon 479 of the SNTA1 protein (p.Leu479Pro). In summary, the available evidence is currently insufficient to determine the role of this variant in disease. Therefore, it has been classified as a Variant of Uncertain Significance. Algorithms developed to predict the effect of missense changes on protein structure and function are either unavailable or do not agree on the potential impact of this missense change (SIFT: "Deleterious"; PolyPhen-2: "Possibly Damaging"; Align-GVGD: "Class C0"). This variant has not been reported in the literature in individuals affected with SNTA1-related conditions.

NM_003098.3(SNTA1):c.1436T>C (p.Leu479Pro)

Gene: SNTA1 (syntrophin alpha 1; minus strand). Cytogenetic location: 20q11.21.
Variant type: single nucleotide variant.
Coding change: c.1436T>C on transcript NM_003098.3 (MANE Select); coding-DNA position 1436, T replaced by C.
Protein change: p.Leu479Pro; replaces leucine 479 with proline.
Molecular consequence: missense variant.
Genome position (GRCh38, 1-based): chr20:33,408,589, A>G on the plus strand (T>C on the coding strand, the complement: SNTA1 is on the minus strand). VCF-style: chr20-33408589-A-G. GRCh37 (hg19) VCF-style: chr20-31996395-A-G.
Other names: short protein forms L479P.
Identifiers: ClinVar variation 1349611 (VCV001349611.6), dbSNP rs978530002, ClinGen allele CA313251041.